The following is an entry in ClinVar:

NM_004369.4(COL6A3):c.7586C>T (p.Ala2529Val)

Gene: COL6A3 (collagen type VI alpha 3 chain; minus strand). Cytogenetic location: 2q37.3.
Variant type: single nucleotide variant.
Coding change: c.7586C>T on transcript NM_004369.4 (MANE Select); coding-DNA position 7586, C replaced by T.
Protein change: p.Ala2529Val; replaces alanine 2529 with valine.
Molecular consequence: missense variant.
Genome position (GRCh38, 1-based): chr2:237,344,432, G>A on the plus strand (C>T on the coding strand, the complement: COL6A3 is on the minus strand). VCF-style: chr2-237344432-G-A. GRCh37 (hg19) VCF-style: chr2-238253075-G-A.
Other names: c.5765C>T, p.Ala1922Val (NM_057166.5); c.6968C>T, p.Ala2323Val (NM_057167.4); short protein forms A1922V, A2323V, A2529V.
Identifiers: ClinVar variation 2652041 (VCV002652041.22), dbSNP rs146938113, ClinGen allele CA2187773.

ClinVar aggregate classification (germline): Uncertain significance (1 of 4 stars; one submission).

Allele frequency attached by ClinVar (database versions not stated): ESP Exome Variant Server 0.00015; TOPMed below 0.00001; ExAC 0.00001; gnomAD 0.00001; gnomAD exomes 0.00001.
gnomAD v4.1: 15 of 1,614,088 alleles (0.00093%); highest among the groups gnomAD compares: Non-Finnish European, 0.0013%; no homozygotes.

Submission:

CeGaT Center for Human Genetics Tuebingen
Classification: Uncertain significance. Last evaluated: 2023-09-01. Review status: criteria provided, single submitter. Criteria: CeGaT Center For Human Genetics Tuebingen Variant Classification Criteria Version 2. Collection method: clinical testing. Allele origin: germline. Affected: yes. Observed: 1 variant allele.
Comment: COL6A3: PM2